The following is an entry in ClinVar:

NM_198334.3(GANAB):c.2509C>T (p.Gln837Ter)

Gene: GANAB (glucosidase II alpha subunit; minus strand). Cytogenetic location: 11q12.3.
Variant type: single nucleotide variant.
Coding change: c.2509C>T on transcript NM_198334.3 (MANE Select); coding-DNA position 2509, C replaced by T.
Protein change: p.Gln837Ter; replaces glutamine 837 with a stop codon.
Molecular consequence: nonsense.
Genome position (GRCh38, 1-based): chr11:62,626,573, G>A on the plus strand (C>T on the coding strand, the complement: GANAB is on the minus strand). VCF-style: chr11-62626573-G-A. GRCh37 (hg19) VCF-style: chr11-62394045-G-A.
Other names: c.2233C>T, p.Gln745Ter (NM_001278192.2); c.2167C>T, p.Gln723Ter (NM_001278193.2); c.2218C>T, p.Gln740Ter (NM_001278194.2, NM_001329222.2, NM_001329223.2); c.1786C>T, p.Gln596Ter (NM_001329224.2, NM_001329225.2); c.2575C>T, p.Gln859Ter (NM_198335.4); short protein forms Q596*, Q723*, Q740*, Q745*, Q837*, Q859*.
Identifiers: ClinVar variation 4291714 (VCV004291714.2).

ClinVar aggregate classification (germline): Pathogenic/Likely pathogenic. Review status: criteria provided, multiple submitters, no conflicts (2 of 4 stars). 2 submissions from 2 submitters: Pathogenic (1); Likely pathogenic (1). Last evaluated 2025-01-20.

Conditions:
Polycystic kidney disease 3 with or without polycystic liver disease. Also called: POLYCYSTIC KIDNEY DISEASE, ADULT, TYPE III; Polycystic kidney disease 3; Polycystic Kidney and/or Polycystic Liver Disease 3. Identifiers: MedGen C3887964, MONDO:0010916, OMIM 600666.
GANAB-related disorder. Also called: GANAB-related condition.

Submissions (2):

3billion
Classification: Likely pathogenic for Polycystic kidney disease 3 with or without polycystic liver disease. Last evaluated: 2025-01-20. Review status: criteria provided, single submitter. Criteria: ACMG Guidelines, 2015. Collection method: clinical testing. Allele origin: germline. Affected: yes.
Comment: The variant is not observed in the gnomAD v4.1.0 dataset. Predicted Consequence/Location: Stop-gained (nonsense): predicted to result in a loss or disruption of normal protein function through nonsense-mediated decay (NMD) or protein truncation. Multiple pathogenic variants are reported downstream of the variant. Therefore, this variant is classified as Likely pathogenic according to the recommendation of ACMG/AMP guideline.

Blueprint Genetics
Classification: Pathogenic for GANAB-related disorders. Last evaluated: 2019-10-29. Review status: criteria provided, single submitter. Criteria: ACMG Guidelines, 2015. Collection method: clinical testing. Allele origin: germline. Affected: yes. Observed: 1 variant allele.